The following is an entry in ClinVar:

NM_173651.4(FSIP2):c.17798C>T (p.Ser5933Phe)

Gene: FSIP2 (fibrous sheath interacting protein 2; plus strand). Cytogenetic location: 2q32.1.
Variant type: single nucleotide variant.
Coding change: c.17798C>T on transcript NM_173651.4 (MANE Select); coding-DNA position 17798, C replaced by T.
Protein change: p.Ser5933Phe; replaces serine 5933 with phenylalanine.
Molecular consequence: missense variant.
Genome position (GRCh38, 1-based): chr2:185,807,104, C>T. VCF-style: chr2-185807104-C-T. GRCh37 (hg19) VCF-style: chr2-186671831-C-T.
Other names: D1827V; short protein forms S5933F.
Identifiers: ClinVar variation 2577477 (VCV002577477.2), dbSNP rs191083003, ClinGen allele CA2017458.
Genomic context (GRCh38, chr2:185,807,104, plus strand): 5'-TCAATAAAGTTGTTCACTCCTCTGTTTGTAATATTTTAAATGACTATGGATCTCAAGACT[C>T]TATTTGGAAGAATATAAACAGTAATGGAGAAAATTTAGCAAGAAGACTAACTAGTGCAGT-3'
Protein context (NP_775922.3, residues 5923-5943): NILNDYGSQD[Ser5933Phe]IWKNINSNGE

ClinVar aggregate classification (germline): Likely pathogenic. Review status: criteria provided, single submitter (1 of 4 stars). 2 submissions from 2 submitters: Likely pathogenic (1). 1 of the submissions does not count toward it. Last evaluated 2025-03-25.

Conditions:
Spermatogenic failure 34. Identifiers: MedGen C4748403, MONDO:0029148, OMIM 618153.

Allele frequency attached by ClinVar (database versions not stated): gnomAD exomes 0.00014; gnomAD 0.00025; TOPMed 0.00046; ExAC 0.00052; 1000 Genomes Project 0.00060; 1000 Genomes Project 30x 0.00078.
gnomAD v4.1: 229 of 1,598,100 alleles (0.014%); highest among the groups gnomAD compares: East Asian, 0.49%; 1 homozygote.

Submissions (2):

First Genomix Gene Laboratory, Genetic Diagnostics Department
Classification: Likely pathogenic for Spermatogenic failure 34. Last evaluated: 2025-03-25. Review status: criteria provided, single submitter. Criteria: ACMG Guidelines, 2015. Collection method: clinical testing. Allele origin: germline. Inheritance: Autosomal recessive inheritance. Affected: no. Observed: 1 variant allele.

OMIM
Classification: Pathogenic for SPERMATOGENIC FAILURE 34. Last evaluated: 2023-08-28. Review status: no assertion criteria provided. Collection method: literature only. Allele origin: germline. Not counted in ClinVar's aggregate classification.

Literature cited by the submitters: PubMed 35654582 (cited by OMIM).